The following is an entry in ClinVar:

NM_015151.4(DIP2A):c.3243C>T (p.Gly1081=)

Gene: DIP2A (DIP2 acetate--CoA ligase A; plus strand). Cytogenetic location: 21q22.3.
Variant type: single nucleotide variant.
Coding change: c.3243C>T on transcript NM_015151.4 (MANE Select); coding-DNA position 3243, C replaced by T.
Protein change: p.Gly1081=; no amino-acid change (glycine 1081 retained).
Molecular consequence: synonymous variant.
Genome position (GRCh38, 1-based): chr21:46,554,663, C>T. VCF-style: chr21-46554663-C-T. GRCh37 (hg19) VCF-style: chr21-47974576-C-T.
Other names: c.3231C>T, p.Gly1077= (NM_001146116.2); c.3246C>T, p.Gly1082= (NM_001353942.2); c.3243C>T, p.Gly1081= (NM_001353943.2, NM_001410751.1).
Identifiers: ClinVar variation 4533747 (VCV004533747.6).
Genomic context (GRCh38, chr21:46,554,663, plus strand): 5'-CTGCTTGTACTGTGGCTGCGTGCCTGTCACCGTGCGGCCCCCGCACCCTCAGAACCTCGG[C>T]ACCACACTGCCCACCGTCAAGATGATCGTGGAGGTGCGCCTACCTGGCCCGCGGGTCAGA-3'
Protein context (NP_055966.2, residues 1071-1091): TVRPPHPQNL[Gly1081=]TTLPTVKMIV

ClinVar aggregate classification (germline): Likely benign (1 of 4 stars; one submission).

gnomAD v4.1: 1,876 of 1,581,904 alleles (0.12%); highest among the groups gnomAD compares: Non-Finnish European, 0.12%; 5 homozygotes.

Submission:

CeGaT Center for Human Genetics Tuebingen
Classification: Likely benign. Last evaluated: 2025-10-01. Review status: criteria provided, single submitter. Criteria: CeGaT Center For Human Genetics Tuebingen Variant Classification Criteria Version 2. Collection method: clinical testing. Allele origin: germline. Affected: yes. Observed: 1 variant allele.
Comment: DIP2A: BP4, BP7